The following is an entry in ClinVar:

ClinVar aggregate classification (germline): Pathogenic/Likely pathogenic. Review status: criteria provided, multiple submitters, no conflicts (2 of 4 stars). 4 submissions from 4 submitters: Pathogenic (2); Likely pathogenic (2). Last evaluated 2025-09-15.

Conditions:
Dextro-looped transposition of the great arteries. Also called: Dextrotransposition of the great arteries. Identifiers: Orphanet 860, MedGen C3531771, MONDO:0019443, OMIM 608808, HP:0031348.
Cardiac anomalies - developmental delay - facial dysmorphism syndrome (MRFACD). Also called: Impaired intellectual development and distinctive facial features with or without cardiac defects; MED13L Syndrome. Identifiers: Orphanet 369891, MedGen C5192431, MONDO:0014773, OMIM 616789.

Submissions (4):

3billion
Classification: Likely pathogenic for Cardiac anomalies - developmental delay - facial dysmorphism syndrome. Last evaluated: 2025-09-15. Review status: criteria provided, single submitter. Criteria: ACMG Guidelines, 2015. Collection method: clinical testing. Allele origin: germline. Affected: yes.
Comment: The variant is not observed in the gnomAD v4.1.0 dataset. Predicted Consequence/Location: Missense variant In silico tool predictions suggest damaging effect of the variant on gene or gene product [REVEL: 0.63 (>=0.6, sensitivity 0.68 and specificity 0.92)]. The same nucleotide change resulting in the same amino acid change has been previously reported as pathogenic/likely pathogenic with strong evidence (ClinVar ID: VCV000620012, PMID: 29511999). Therefore, this variant is classified as Likely pathogenic according to the recommendation of ACMG/AMP guideline.

GeneDx
Classification: Pathogenic. Last evaluated: 2025-04-09. Review status: criteria provided, single submitter. Criteria: GeneDx Variant Classification Process June 2021. Collection method: clinical testing. Allele origin: germline. Affected: yes.
Comment: Not observed at significant frequency in large population cohorts (gnomAD); In silico analysis supports that this missense variant has a deleterious effect on protein structure/function; This variant is associated with the following publications: (PMID: 29511999, 36798993, 39257968, 35322241)

CeGaT Center for Human Genetics Tuebingen
Classification: Pathogenic. Last evaluated: 2019-09-01. Review status: criteria provided, single submitter. Criteria: CeGaT Center For Human Genetics Tuebingen Variant Classification Criteria Version 2. Collection method: clinical testing. Allele origin: germline. Affected: yes. Observed: 3 variant alleles.

Cytogénomique, Hospices Civils de Lyon
Classification: Likely pathogenic for Cardiac anomalies - developmental delay - facial dysmorphism syndrome; Dextro-looped transposition of the great arteries. Last evaluated: 2016-01-26. Review status: criteria provided, single submitter. Criteria: ACMG Guidelines, 2015. Collection method: clinical testing. Allele origin: de novo. Inheritance: Autosomal dominant inheritance. Affected: yes.

NM_015335.5(MED13L):c.6488C>T (p.Ser2163Leu)

Gene: MED13L (mediator complex subunit 13L; minus strand). Cytogenetic location: 12q24.21.
Variant type: single nucleotide variant.
Coding change: c.6488C>T on transcript NM_015335.5 (MANE Select); coding-DNA position 6488, C replaced by T.
Protein change: p.Ser2163Leu; replaces serine 2163 with leucine.
Molecular consequence: missense variant.
Genome position (GRCh38, 1-based): chr12:115,963,419, G>A on the plus strand (C>T on the coding strand, the complement: MED13L is on the minus strand). VCF-style: chr12-115963419-G-A. GRCh37 (hg19) VCF-style: chr12-116401224-G-A.
Other names: short protein forms S2163L.
Identifiers: ClinVar variation 620012 (VCV000620012.42), dbSNP rs1565981137, ClinGen allele CA386873631.